The following is an entry in ClinVar:

NM_001364905.1(LRBA):c.6770A>G (p.Asp2257Gly)

Gene: LRBA (LPS responsive beige-like anchor protein; minus strand). Cytogenetic location: 4q31.3.
Variant type: single nucleotide variant.
Coding change: c.6770A>G on transcript NM_001364905.1 (MANE Select); coding-DNA position 6770, A replaced by G.
Protein change: p.Asp2257Gly; replaces aspartic acid 2257 with glycine.
Molecular consequence: missense variant.
Genome position (GRCh38, 1-based): chr4:150,467,683, T>C on the plus strand (A>G on the coding strand, the complement: LRBA is on the minus strand). VCF-style: chr4-150467683-T-C. GRCh37 (hg19) VCF-style: chr4-151388835-T-C.
Other names: p.Asp2268Gly; c.6770A>G, p.Asp2257Gly (NM_001199282.3, NM_001367550.1, NM_001440431.1); c.6803A>G, p.Asp2268Gly (NM_001440430.1, NM_006726.5); c.473A>G, p.Asp158Gly (NM_001440432.1); c.467A>G, p.Asp156Gly (NM_001440433.1); short protein forms D2257G, D156G, D158G, D2268G.
Identifiers: ClinVar variation 4541002 (VCV004541002.1).

ClinVar aggregate classification (germline): Uncertain significance (1 of 4 stars; one submission).

Submission:

Mayo Clinic Laboratories, Mayo Clinic
Classification: Uncertain significance. Last evaluated: 2025-12-13. Review status: criteria provided, single submitter. Criteria: ACMG Guidelines, 2015. Collection method: clinical testing. Allele origin: germline. Observed: 1 variant allele.
Comment: PP3_moderate, PM2_supporting